The following is an entry in ClinVar:

ClinVar aggregate classification (germline): Pathogenic/Likely pathogenic. Review status: criteria provided, multiple submitters, no conflicts (2 of 4 stars). 5 submissions from 4 submitters: Pathogenic (3); Likely pathogenic (1). 1 of the submissions does not count toward it. Last evaluated 2024-03-17.

Conditions:
TMEM237-related disorder. Also called: TMEM237-related condition.
Joubert syndrome 14 (JBTS14). Identifiers: MedGen C3280766, MONDO:0013745, OMIM 614424.
Meckel-Gruber syndrome. Also called: Dysencephalia splachnocystica; DYSENCEPHALIA SPLANCHNOCYSTICA; GRUBER SYNDROME. Identifiers: Orphanet 564, MedGen C0265215, MONDO:0018921.

gnomAD v4.1: 1 of 1,552,056 alleles (0.000064%); no homozygotes.

Submissions (5):

Genomic Medicine Center of Excellence, King Faisal Specialist Hospital and Research Centre
Classification: Pathogenic for Joubert syndrome 14. Last evaluated: 2024-03-17. Review status: criteria provided, single submitter. Criteria: ACMG Guidelines, 2015. Collection method: research. Allele origin: germline.

3billion
Classification: Pathogenic for Joubert syndrome 14. Last evaluated: 2022-01-03. Review status: criteria provided, single submitter. Criteria: ACMG Guidelines, 2015. Collection method: clinical testing. Allele origin: germline. Affected: yes. Observed: 1 homozygote.
Comment: Canonical splice site: predicted to alter splicing and result in a loss or disruption of normal protein function through protein truncation. Multiple pathogenic variants are reported in the predicted truncated region (PVS1_VS).The variant has been reported to be associated with TMEM237 related disorder (ClinVar ID: VCV000183328). It is not observed in the gnomAD v2.1.1 dataset (PM2_M). Therefore, this variant is classified as pathogenic according to the recommendation of ACMG/AMP guideline.

Baylor Genetics
Classification: Likely pathogenic for Joubert syndrome 14. Last evaluated: 2020-01-13. Review status: criteria provided, single submitter. Criteria: ACMG Guidelines, 2015. Collection method: clinical testing. Allele origin: unknown. Affected: yes.
Comment: This variant was determined to be likely pathogenic according to ACMG Guidelines, 2015 [PMID:25741868].

Blueprint Genetics
Classification: Pathogenic for TMEM237-related disorders. Last evaluated: 2019-05-11. Review status: criteria provided, single submitter. Criteria: ACMG Guidelines, 2015. Collection method: clinical testing. Allele origin: germline. Affected: yes. Observed: 2 variant alleles.

Genomic Medicine Center of Excellence, King Faisal Specialist Hospital and Research Centre
Classification: Likely pathogenic for Meckel-Gruber syndrome. Last evaluated: 2014-12-01. Review status: no assertion criteria provided. Criteria: research. Collection method: research. Allele origin: germline. Affected: yes. Not counted in ClinVar's aggregate classification.

Literature cited by the submitters: PubMed 25558065 (cited by Genomic Medicine Center of Excellence, King Faisal Specialist Hospital and Research Centre).

NM_001044385.3(TMEM237):c.869+1G>A

Gene: TMEM237 (transmembrane protein 237; minus strand). Cytogenetic location: 2q33.1.
Variant type: single nucleotide variant.
Coding change: c.869+1G>A on transcript NM_001044385.3 (MANE Select); the canonical splice donor site of the intron after coding-DNA position 869, G replaced by A.
Molecular consequence: splice donor variant.
Genome position (GRCh38, 1-based): chr2:201,629,229, C>T on the plus strand (G>A on the coding strand, the complement: TMEM237 is on the minus strand). VCF-style: chr2-201629229-C-T. GRCh37 (hg19) VCF-style: chr2-202493952-C-T.
Other names: c.845+1G>A (NM_152388.4).
Identifiers: ClinVar variation 183328 (VCV000183328.8), dbSNP rs730882231, ClinGen allele CA186067.
Genomic context (GRCh38, chr2:201,629,229, plus strand): 5'-CACATTTTGCTCAGCATTTCCTCCTGAAGAAGTTAGACAGATCTGGAGTCATAGGCATTA[C>T]CTGTCAAAAGCTGAAATTGTACTCAGAGCCAAAAGCAAGTACAGAAGACTCTGGAATGGA-3'